The following is an entry in ClinVar:

NM_021224.6(ZNF462):c.1749_1772del (p.Pro584_Pro591del)

Gene: ZNF462 (zinc finger protein 462; plus strand). Cytogenetic location: 9q31.2.
Variant type: Deletion.
Coding change: c.1749_1772del on transcript NM_021224.6 (MANE Select); coding-DNA positions 1749 to 1772, 24 bases deleted (ACCAACGCAGCAGCCACAGCCACC).
Protein change: p.Pro584_Pro591del.
Molecular consequence: inframe deletion.
Genome position (GRCh38, 1-based): chr9:106,925,661-106,925,684, ACCAACGCAGCAGCCACAGCCACC deleted; deleting any 24 consecutive bases within chr9:106,925,651-106,925,684 gives the same sequence; the c. name uses the placement nearest the transcript's 3' end. VCF-style (leftmost placement, unchanged base first): chr9-106925650-ACACAGCCACCACCAACGCAGCAGC-A. GRCh37 (hg19) VCF-style: chr9-109687931-ACACAGCCACCACCAACGCAGCAGC-A.
Other names: c.1749_1772del, p.Pro584_Pro591del (NM_001347997.2); c.1749_1772del24 (NM_021224.5).
Identifiers: ClinVar variation 1722800 (VCV001722800.3), dbSNP rs2538740446, ClinGen allele CA2579410336.
Genomic context (GRCh38, chr9:106,925,650, plus strand): 5'-CTGCAGCAGCCACAGCCACCACAGCTGCAGCCACCACATCAGGTGCCACCCCAGCCACAA[ACACAGCCACCACCAACGCAGCAGC>A]CACAGCCACCCACACAAGCCGCACCTCTGCACCCATACAAATGCACCATGTGTAATTACT-3'

ClinVar aggregate classification (germline): Uncertain significance. Review status: criteria provided, single submitter (1 of 4 stars). 2 submissions from 2 submitters: Uncertain significance (1). 1 of the submissions does not count toward it. Last evaluated 2022-05-02.

Conditions:
ZNF462-related disorder. Also called: ZNF462-related condition; ZNF462 related disease.

Submissions (2):

GeneDx
Classification: Uncertain significance. Last evaluated: 2022-05-02. Review status: criteria provided, single submitter. Criteria: GeneDx Variant Classification Process June 2021. Collection method: clinical testing. Allele origin: germline. Affected: yes.
Comment: In-frame deletion of 8 amino acids in a non-repeat region; Not observed at significant frequency in large population cohorts (gnomAD); In silico analysis supports a deleterious effect on protein structure/function; Has not been previously published as pathogenic or benign to our knowledge

PreventionGenetics, part of Exact Sciences
Classification: Uncertain significance for ZNF462-related condition. Last evaluated: 2024-04-30. Review status: no assertion criteria provided. Collection method: clinical testing. Allele origin: germline. Not counted in ClinVar's aggregate classification.
Comment: The ZNF462 c.1749_1772del24 variant is predicted to result in an in-frame deletion (p.Pro584_Pro591del). To our knowledge, this variant has not been reported in the literature or in a large population database, indicating this variant is rare. At this time, the clinical significance of this variant is uncertain due to the absence of conclusive functional and genetic evidence.